The following is an entry in ClinVar:

ClinVar aggregate classification (germline): Likely benign (1 of 4 stars; one submission).

Submission:

CeGaT Center for Human Genetics Tuebingen
Classification: Likely benign. Last evaluated: 2026-01-01. Review status: criteria provided, single submitter. Criteria: CeGaT Center For Human Genetics Tuebingen Variant Classification Criteria Version 2. Collection method: clinical testing. Allele origin: germline. Affected: yes. Observed: 1 variant allele.
Comment: TPO: PM2:Supporting, BP4, BP7

NM_001206744.2(TPO):c.225T>C (p.Ser75=)

Gene: TPO (thyroid peroxidase; plus strand). Cytogenetic location: 2p25.3.
Variant type: single nucleotide variant.
Coding change: c.225T>C on transcript NM_001206744.2 (MANE Select); coding-DNA position 225, T replaced by C.
Protein change: p.Ser75=; no amino-acid change (serine 75 retained).
Molecular consequence: synonymous variant.
Genome position (GRCh38, 1-based): chr2:1,433,483, T>C. VCF-style: chr2-1433483-T-C. GRCh37 (hg19) VCF-style: chr2-1437255-T-C.
Other names: c.225T>C, p.Ser75= (NM_000547.6, NM_001206745.2, NM_175719.4 and 2 more transcripts).
Identifiers: ClinVar variation 4822949 (VCV004822949.4).
Genomic context (GRCh38, chr2:1,433,483, plus strand): 5'-CTTTATGTGCCATAGAAACCTCAAGAAAAGAGGAATCCTTTCTCCAGCTCAGCTTCTGTC[T>C]TTTTCCAAACTTCCTGAGCCAACAAGCGGAGTGATTGCCCGAGCAGCAGAGATAATGGAA-3'
Protein context (NP_001193673.1, residues 65-85): RGILSPAQLL[Ser75=]FSKLPEPTSG